The following is an entry in ClinVar:

ClinVar aggregate classification (germline): Pathogenic/Likely pathogenic. Review status: criteria provided, multiple submitters, no conflicts (2 of 4 stars). 7 submissions from 7 submitters: Pathogenic (4); Likely pathogenic (1). 2 of the submissions do not count toward it. Last evaluated 2024-03-17.

Conditions:
MHC class II deficiency 1 (MHC2D1). Also called: Bare lymphocyte syndrome type 2, complementation group A; SCID, HLA CLASS II-NEGATIVE; BARE LYMPHOCYTE SYNDROME, TYPE II, COMPLEMENTATION GROUP A. Identifiers: MedGen C1859534, MONDO:0971005, OMIM 209920.
RFXANK-related disorder. Also called: RFXANK-related condition.
MHC class II deficiency. Also called: BLS, TYPE II; Bare lymphocyte syndrome 2. Identifiers: Orphanet 572, MedGen C5447452, MONDO:0008855.
MHC class II deficiency 2. Also called: Bare lymphocyte syndrome, type II, complementation group B. Identifiers: MedGen C1859535, MONDO:0971013, OMIM 620815.

Submissions (7):

Genomic Medicine Center of Excellence, King Faisal Specialist Hospital and Research Centre
Classification: Pathogenic for MHC class II deficiency 1. Last evaluated: 2024-03-17. Review status: criteria provided, single submitter. Criteria: ACMG Guidelines, 2015. Collection method: research. Allele origin: germline.

Revvity Omics, Revvity
Classification: Pathogenic for MHC class II deficiency 1. Last evaluated: 2021-02-04. Review status: criteria provided, single submitter. Criteria: ACMG Guidelines, 2015. Collection method: clinical testing. Allele origin: germline.

Baylor Genetics
Classification: Pathogenic for MHC class II deficiency 1. Last evaluated: 2019-12-24. Review status: criteria provided, single submitter. Criteria: ACMG Guidelines, 2015. Collection method: clinical testing. Allele origin: unknown. Affected: yes.
Comment: This variant was determined to be pathogenic according to ACMG Guidelines, 2015 [PMID:25741868].

Blueprint Genetics
Classification: Likely pathogenic for RFXANK-related disorders. Last evaluated: 2018-03-06. Review status: criteria provided, single submitter. Criteria: ACMG Guidelines, 2015. Collection method: clinical testing. Allele origin: germline. Affected: yes. Observed: 3 variant alleles.

Pathology and Clinical Laboratory Medicine, King Fahad Medical City
Classification: Pathogenic for MHC class II deficiency 1. Review status: criteria provided, single submitter. Criteria: ACMG Guidelines, 2015. Collection method: clinical testing. Allele origin: germline. Affected: yes. Observed: 2 variant alleles.

Biochemical Molecular Genetic Laboratory, King Abdulaziz Medical City
Classification: Likely pathogenic for MHC class II deficiency 1. Last evaluated: 2019-09-26. Review status: no assertion criteria provided. Collection method: clinical testing. Allele origin: germline. Affected: yes. Not counted in ClinVar's aggregate classification.

OMIM
Classification: Pathogenic for MHC CLASS II DEFICIENCY 2. Last evaluated: 2003-02-01. Review status: no assertion criteria provided. Collection method: literature only. Allele origin: germline. Not counted in ClinVar's aggregate classification.

Literature cited by the submitters: PubMed 12618906 (cited by OMIM).

NM_003721.4(RFXANK):c.362A>T (p.Asp121Val)

Gene: RFXANK (regulatory factor X associated ankyrin containing protein; plus strand). Cytogenetic location: 19p13.11.
Variant type: single nucleotide variant.
Coding change: c.362A>T on transcript NM_003721.4 (MANE Select); coding-DNA position 362, A replaced by T.
Protein change: p.Asp121Val; replaces aspartic acid 121 with valine.
Molecular consequence: missense variant.
Genome position (GRCh38, 1-based): chr19:19,197,545, A>T. VCF-style: chr19-19197545-A-T. GRCh37 (hg19) VCF-style: chr19-19308354-A-T.
Other names: c.296A>T, p.Asp99Val (NM_001278727.2, NM_001370234.1); c.293A>T, p.Asp98Val (NM_001278728.2, NM_134440.3); c.362A>T, p.Asp121Val (NM_001370233.1, NM_001370238.1); c.359A>T, p.Asp120Val (NM_001370235.1, NM_001370236.1, NM_001370237.1); short protein forms D121V, D120V, D99V, D98V.
Identifiers: ClinVar variation 6600 (VCV000006600.13), dbSNP rs104894709, ClinGen allele CA118365.